The following is an entry in ClinVar:

NM_000384.3(APOB):c.7489C>T (p.Gln2497Ter)

Gene: APOB (apolipoprotein B; minus strand). Cytogenetic location: 2p24.1.
Variant type: single nucleotide variant.
Coding change: c.7489C>T on transcript NM_000384.3 (MANE Select); coding-DNA position 7489, C replaced by T.
Protein change: p.Gln2497Ter; replaces glutamine 2497 with a stop codon.
Molecular consequence: nonsense.
Genome position (GRCh38, 1-based): chr2:21,009,379, G>A on the plus strand (C>T on the coding strand, the complement: APOB is on the minus strand). VCF-style: chr2-21009379-G-A. GRCh37 (hg19) VCF-style: chr2-21232251-G-A.
Other names: short protein forms Q2497*.
Identifiers: ClinVar variation 1386291 (VCV001386291.6), dbSNP rs1188654362, ClinGen allele CA345997042.
Genomic context (GRCh38, chr2:21,009,379, plus strand): 5'-CTAGGGTCTCTCGGAATTTGGCCTTCATGTGAGCCAAAGATGCTGAACTTAAAGCCTCCT[G>A]TAACCAATTGATGATTAAGGTTATTTTGGTGTCCTGTAGGCTTTCCAGATACACTGCAAC-3'

ClinVar aggregate classification (germline): Pathogenic (1 of 4 stars; one submission).

Conditions:
Familial hypobetalipoproteinemia 1. Also called: APOB-Related Familial Hypobetalipoproteinemia; Hypobetalipoproteinemia, normotriglyceridemic; Acanthocytosis with hypobetalipoproteinemia. Identifiers: MedGen C4551990, MONDO:0014252, OMIM 615558.
Hypercholesterolemia, autosomal dominant, type B (FHCL2). Also called: Familial Hypercholesterolemia Type B; APOLIPOPROTEIN B-100, FAMILIAL DEFECTIVE; APOLIPOPROTEIN B-100, FAMILIAL LIGAND-DEFECTIVE; HYPERCHOLESTEROLEMIA, FAMILIAL, DUE TO LIGAND-DEFECTIVE APOLIPOPROTEIN B; APOB-Related Familial Hypercholesterolemia, Autosomal Dominant; Familial hypercholesterolemia 2. Identifiers: MedGen C1704417, MONDO:0007751, OMIM 144010.

Allele frequency attached by ClinVar (database versions not stated): TOPMed below 0.00001; gnomAD 0.00001.
gnomAD v4.1: 1 of 1,613,950 alleles (0.000062%); highest among the groups gnomAD compares: Non-Finnish European, 0.000085%; no homozygotes.

Submission:

Labcorp Genetics (formerly Invitae), Labcorp
Classification: Pathogenic for Familial hypobetalipoproteinemia 1; Hypercholesterolemia, autosomal dominant, type B. Last evaluated: 2021-07-20. Review status: criteria provided, single submitter. Criteria: Invitae Variant Classification Sherloc (09022015). Collection method: clinical testing. Allele origin: germline.
Comment: This sequence change creates a premature translational stop signal (p.Gln2497*) in the APOB gene. It is expected to result in an absent or disrupted protein product. Loss-of-function variants in APOB are known to be pathogenic (PMID: 20032471). This variant is not present in population databases (ExAC no frequency). This variant has not been reported in the literature in individuals affected with APOB-related conditions. For these reasons, this variant has been classified as Pathogenic.

Literature cited by the submitters: PubMed 20032471.